The following is an entry in ClinVar:

NM_006230.4(POLD2):c.28G>A (p.Ala10Thr)

Gene: POLD2 (DNA polymerase delta 2, accessory subunit; minus strand). Cytogenetic location: 7p13.
Variant type: single nucleotide variant.
Coding change: c.28G>A on transcript NM_006230.4 (MANE Select); coding-DNA position 28, G replaced by A.
Protein change: p.Ala10Thr; replaces alanine 10 with threonine.
Molecular consequence: missense variant.
Genome position (GRCh38, 1-based): chr7:44,122,026, C>T on the plus strand (G>A on the coding strand, the complement: POLD2 is on the minus strand). VCF-style: chr7-44122026-C-T. GRCh37 (hg19) VCF-style: chr7-44161625-C-T.
Other names: c.28G>A, p.Ala10Thr (NM_001127218.3, NM_001256879.2); short protein forms A10T.
Identifiers: ClinVar variation 4769537 (VCV004769537.1).

ClinVar aggregate classification (germline): Uncertain significance (1 of 4 stars; one submission).

gnomAD v4.1: 1 of 1,613,316 alleles (0.000062%); highest among the groups gnomAD compares: Non-Finnish European, 0.000085%; no homozygotes.

Submission:

Labcorp Genetics (formerly Invitae), Labcorp
Classification: Uncertain significance. Last evaluated: 2025-08-24. Review status: criteria provided, single submitter. Criteria: Invitae Variant Classification Sherloc (09022015). Collection method: clinical testing. Allele origin: germline.
Comment: This sequence change replaces alanine, which is neutral and non-polar, with threonine, which is neutral and polar, at codon 45 of the POLD2 protein (p.Ala45Thr). This variant is not present in population databases (gnomAD no frequency). This variant has not been reported in the literature in individuals affected with POLD2-related conditions. An algorithm developed to predict the effect of missense changes on protein structure and function outputs the following: PolyPhen-2: "Not Available". The threonine amino acid residue is found in multiple mammalian species, which suggests that this missense change does not adversely affect protein function. In summary, the available evidence is currently insufficient to determine the role of this variant in disease. Therefore, it has been classified as a Variant of Uncertain Significance.